The following is an entry in ClinVar:

NM_001291415.2(KDM6A):c.975-3C>T

Gene: KDM6A (lysine demethylase 6A; plus strand). Cytogenetic location: Xp11.3.
Variant type: single nucleotide variant.
Coding change: c.975-3C>T on transcript NM_001291415.2 (MANE Select); 3 bases into the intron before coding-DNA position 975, C replaced by T.
Molecular consequence: intron variant.
Genome position (GRCh38, 1-based): chrX:45,059,244, C>T. VCF-style: chrX-45059244-C-T. GRCh37 (hg19) VCF-style: chrX-44918489-C-T.
Other names: c.975-3C>T (NM_021140.4, NM_001291416.2, NM_001291417.2 and 1 more transcripts); c.222-3C>T (NM_001291421.2).
Identifiers: ClinVar variation 1954112 (VCV001954112.5), dbSNP rs1569532980, ClinGen allele CA1132759437.

ClinVar aggregate classification (germline): Uncertain significance (1 of 4 stars; one submission).

Conditions:
Kabuki syndrome 2 (KABUK2). Also called: KDM6A-Related Kabuki Syndrome. Identifiers: Orphanet 2322, MedGen C3275495, MONDO:0010465, OMIM 300867.

Allele frequency attached by ClinVar (database versions not stated): gnomAD exomes below 0.00001; gnomAD 0.00001.
gnomAD v4.1: 7 of 1,206,275 alleles (0.00058%); highest among the groups gnomAD compares: African/African-American, 0.0035%; no homozygotes.

Submission:

Labcorp Genetics (formerly Invitae), Labcorp
Classification: Uncertain significance for Kabuki syndrome 2. Last evaluated: 2025-10-13. Review status: criteria provided, single submitter. Criteria: Invitae Variant Classification Sherloc (09022015). Collection method: clinical testing. Allele origin: germline.
Comment: This sequence change falls in intron 11 of the KDM6A gene. It does not directly change the encoded amino acid sequence of the KDM6A protein. It affects a nucleotide within the consensus splice site. This variant is not present in population databases (gnomAD no frequency). This variant has not been reported in the literature in individuals affected with KDM6A-related conditions. ClinVar contains an entry for this variant (Variation ID: 1954112). Variants that disrupt the consensus splice site are a relatively common cause of aberrant splicing (PMID: 17576681, 9536098). Algorithms developed to predict the effect of sequence changes on RNA splicing suggest that this variant is not likely to affect RNA splicing. In summary, the available evidence is currently insufficient to determine the role of this variant in disease. Therefore, it has been classified as a Variant of Uncertain Significance.

Literature cited by the submitters: PubMed 17576681; PubMed 9536098.